The following is an entry in ClinVar:

NM_000179.3(MSH6):c.3168G>T (p.Val1056=)

Gene: MSH6 (mutS homolog 6; plus strand). Cytogenetic location: 2p16.3.
Variant type: single nucleotide variant.
Coding change: c.3168G>T on transcript NM_000179.3 (MANE Select); coding-DNA position 3168, G replaced by T.
Protein change: p.Val1056=; no amino-acid change (valine 1056 retained).
Molecular consequence: synonymous variant. On other transcripts: non-coding transcript variant (5), intron variant (2).
Genome position (GRCh38, 1-based): chr2:47,801,151, G>T. VCF-style: chr2-47801151-G-T. GRCh37 (hg19) VCF-style: chr2-48028290-G-T.
Other names: c.3174G>T, p.Val1058= (NM_001406813.1); c.2262G>T, p.Val754= (NM_001406814.1, NM_001406815.1, NM_001406816.1 and 6 more transcripts); c.2871G>T, p.Val957= (NM_001406818.1, NM_001406825.1, NM_001406827.1 and 10 more transcripts); c.3000G>T, p.Val1000= (NM_001406826.1); c.1113G>T, p.Val371= (NM_001407362.1); c.2308+860G>T (NM_001406803.1); c.3264G>T, p.Val1088= (NM_001406802.1, NM_001406795.1); c.3090G>T, p.Val1030= (NM_001406804.1); and 4 more.
Identifiers: ClinVar variation 2970779 (VCV002970779.5), dbSNP rs1553414594, ClinGen allele CA426122065.

ClinVar aggregate classification (germline): Benign/Likely benign. Review status: criteria provided, multiple submitters, no conflicts (2 of 4 stars). 3 submissions from 3 submitters: Benign (1); Likely benign (2). Last evaluated 2025-01-03.

Conditions:
Hereditary nonpolyposis colorectal neoplasms. Identifiers: MedGen C0009405, MeSH D003123.
Lynch syndrome. Identifiers: Orphanet 144, MedGen C4552100, MONDO:0005835. Disease mechanism: loss of function.
Lynch syndrome 5 (LYNCH5). Also called: Hereditary non-polyposis colorectal cancer, type 5; Colorectal cancer, hereditary nonpolyposis, type 5. Identifiers: Orphanet 144, MedGen C1833477, MONDO:0013710, OMIM 614350. Disease mechanism: loss of function.

Submissions (3):

Myriad Genetics, Inc.
Classification: Benign for Lynch syndrome 5. Last evaluated: 2025-01-03. Review status: criteria provided, single submitter. Criteria: Myriad Autosomal Dominant, Autosomal Recessive and X-Linked Classification Criteria (2023). Collection method: clinical testing. Allele origin: unknown.
Comment: This variant is considered benign. This variant is a silent/synonymous amino acid change and it is not expected to impact splicing.

All of Us Research Program, National Institutes of Health
Classification: Likely benign for Lynch syndrome. Last evaluated: 2024-03-14. Review status: criteria provided, single submitter. Criteria: ACMG Guidelines, 2015. Collection method: clinical testing. Allele origin: germline. Inheritance: Autosomal dominant inheritance. Observed: 1 variant allele, 1 heterozygote.
Comment: This study involves interpretation of variants in research participants for the purpose of population health screening. Participant phenotype was not available at the time of variant classification. Additional details can be found in publication PMID: 35346344, PMCID: PMC8962531

Labcorp Genetics (formerly Invitae), Labcorp
Classification: Likely benign for Hereditary nonpolyposis colorectal neoplasms. Last evaluated: 2023-07-17. Review status: criteria provided, single submitter. Criteria: Invitae Variant Classification Sherloc (09022015). Collection method: clinical testing. Allele origin: germline.